The following is an entry in ClinVar:

NM_000080.4(CHRNE):c.1032+1G>T

Gene: CHRNE (cholinergic receptor nicotinic epsilon subunit; minus strand). Cytogenetic location: 17p13.2.
Variant type: single nucleotide variant.
Coding change: c.1032+1G>T on transcript NM_000080.4 (MANE Select); the canonical splice donor site of the intron after coding-DNA position 1032, G replaced by T.
Molecular consequence: splice donor variant.
Genome position (GRCh38, 1-based): chr17:4,899,467, C>A on the plus strand (G>T on the coding strand, the complement: CHRNE is on the minus strand). VCF-style: chr17-4899467-C-A. GRCh37 (hg19) VCF-style: chr17-4802762-C-A.
Identifiers: ClinVar variation 4710295 (VCV004710295.1).

ClinVar aggregate classification (germline): Pathogenic (1 of 4 stars; one submission).

Conditions:
Congenital myasthenic syndrome 4A. Also called: Myasthenic syndrome, congenital, 4a, slow-channel; MYASTHENIC SYNDROME, CONGENITAL, 4A, SLOW-CHANNEL, AUTOSOMAL RECESSIVE; CONGENITAL MYASTHENIC SYNDROME TYPE Ia1. Identifiers: Orphanet 590, MedGen C4225413, MONDO:0011600, OMIM 605809.

Submission:

Labcorp Genetics (formerly Invitae), Labcorp
Classification: Pathogenic for Congenital myasthenic syndrome 4A. Last evaluated: 2025-10-31. Review status: criteria provided, single submitter. Criteria: Invitae Variant Classification Sherloc (09022015). Collection method: clinical testing. Allele origin: germline.
Comment: This sequence change affects a donor splice site in intron 9 of the CHRNE gene. RNA analysis indicates that disruption of this splice site induces altered splicing and may result in an absent or altered protein product. This variant is not present in population databases (gnomAD no frequency). Disruption of this splice site has been observed in individuals with congenital myasthenic syndrome (PMID: 11408331, 37946251). This variant is also known as IVS9+1G>T. Studies have shown that disruption of this splice site results in skipping of exon 9, and produces a non-functional protein and/or introduces a premature termination codon (PMID: 11408331). For these reasons, this variant has been classified as Pathogenic.

Literature cited by the submitters: PubMed 11408331; PubMed 37946251.